The following is an entry in ClinVar:

NM_001715.3(BLK):c.731T>C (p.Val244Ala)

Genes: BLK (BLK proto-oncogene, Src family tyrosine kinase), BLK-AS1 (BLK antisense RNA 1). Cytogenetic location: 8p23.1.
Variant type: single nucleotide variant.
Coding change: c.731T>C on transcript NM_001715.3 (MANE Select); coding-DNA position 731, T replaced by C.
Protein change: p.Val244Ala; replaces valine 244 with alanine.
Molecular consequence: missense variant.
Genome position (GRCh38, 1-based): chr8:11,555,443, T>C. VCF-style: chr8-11555443-T-C. GRCh37 (hg19) VCF-style: chr8-11412952-T-C.
Other names: c.518T>C, p.Val173Ala (NM_001330465.2); short protein forms V244A, V173A.
Identifiers: ClinVar variation 3725880 (VCV003725880.2).

ClinVar aggregate classification (germline): Uncertain significance (1 of 4 stars; one submission).

Submission:

Labcorp Genetics (formerly Invitae), Labcorp
Classification: Uncertain significance. Last evaluated: 2024-11-23. Review status: criteria provided, single submitter. Criteria: Invitae Variant Classification Sherloc (09022015). Collection method: clinical testing. Allele origin: germline.
Comment: This sequence change replaces valine, which is neutral and non-polar, with alanine, which is neutral and non-polar, at codon 244 of the BLK protein (p.Val244Ala). This variant is not present in population databases (gnomAD no frequency). This variant has not been reported in the literature in individuals affected with BLK-related conditions. An algorithm developed to predict the effect of missense changes on protein structure and function (PolyPhen-2) suggests that this variant is likely to be disruptive. In summary, the available evidence is currently insufficient to determine the role of this variant in disease. Therefore, it has been classified as a Variant of Uncertain Significance.